The following is an entry in ClinVar:

ClinVar aggregate classification (germline): Pathogenic (1 of 4 stars; one submission).

Conditions:
Lynch syndrome 4 (LYNCH4). Also called: Hereditary non-polyposis colorectal cancer, type 4; Colorectal cancer, hereditary nonpolyposis, type 4. Identifiers: Orphanet 144, MedGen C1838333, MONDO:0013699, OMIM 614337. Disease mechanism: loss of function.

Submission:

Myriad Genetics, Inc.
Classification: Pathogenic for Lynch syndrome 4. Last evaluated: 2023-09-21. Review status: criteria provided, single submitter. Criteria: Myriad Autosomal Dominant, Autosomal Recessive and X-Linked Classification Criteria (2023). Collection method: clinical testing. Allele origin: unknown.
Comment: This variant is considered pathogenic. This variant creates a frameshift predicted to result in premature protein truncation.

NM_000535.7(PMS2):c.1831delinsTT (p.Ile611fs)

Gene: PMS2 (PMS1 homolog 2, mismatch repair system component; minus strand). Cytogenetic location: 7p22.1.
Variant type: Indel.
Coding change: c.1831delinsTT on transcript NM_000535.7 (MANE Select); coding-DNA position 1831, A replaced by TT.
Protein change: p.Ile611fs; shifts the reading frame from isoleucine 611.
Molecular consequence: frameshift variant. On other transcripts: non-coding transcript variant (1), intron variant (1).
Genome position (GRCh38, 1-based): chr7:5,986,934, T replaced by AA on the plus strand (A replaced by TT on the coding strand, the reverse complement: PMS2 is on the minus strand). VCF-style: chr7-5986934-T-AA. GRCh37 (hg19) VCF-style: chr7-6026565-T-AA.
Other names: c.1426delAinsTT, p.Ile476Phefs (NM_001018040.1); c.1426delinsTT, p.Ile476fs (NM_001322003.2, NM_001322004.2, NM_001322005.2 and 16 more transcripts); c.1675delinsTT, p.Ile559fs (NM_001322006.2, NM_001406870.1); c.1513delinsTT, p.Ile505fs (NM_001322007.2, NM_001322008.2, NM_001406876.1 and 2 more transcripts); c.1270delinsTT, p.Ile424fs (NM_001322010.2, NM_001406906.1, NM_001406907.1); c.898delinsTT, p.Ile300fs (NM_001322011.2, NM_001322012.2); c.1258delinsTT, p.Ile420fs (NM_001322013.2, NM_001406909.1); c.1831delinsTT, p.Ile611fs (NM_001322014.2, NM_001406871.1, NM_001406872.1); and 14 more; short protein forms I300fs, I354fs, I420fs, I424fs, I440fs, I453fs, I456fs, I476fs.
Identifiers: ClinVar variation 2674206 (VCV002674206.1), dbSNP rs2535726610, ClinGen allele CA2695198415.